The following is an entry in ClinVar:

ClinVar aggregate classification (germline): Uncertain significance. Review status: criteria provided, multiple submitters, no conflicts (2 of 4 stars). 2 submissions from 2 submitters: Uncertain significance (2). Last evaluated 2026-02-01.

Conditions:
Hereditary cancer-predisposing syndrome. Also called: Tumor predisposition; Neoplastic Syndromes, Hereditary; Hereditary Cancer Syndrome; Hereditary neoplastic syndrome. Identifiers: Orphanet 140162, MedGen C0027672, MeSH D009386, MONDO:0015356.
Neuroblastoma, susceptibility to, 3. Also called: ALK-Related Neuroblastic Tumor Susceptibility. Identifiers: Orphanet 635, MedGen C2751681, MONDO:0013083, OMIM 613014.

Allele frequency attached by ClinVar (database versions not stated): gnomAD exomes below 0.00001.
gnomAD v4.1: 1 of 1,606,880 alleles (0.000062%); highest among the groups gnomAD compares: Non-Finnish European, 0.000085%; no homozygotes.

Submissions (2):

Labcorp Genetics (formerly Invitae), Labcorp
Classification: Uncertain significance for Neuroblastoma, susceptibility to, 3. Last evaluated: 2026-02-01. Review status: criteria provided, single submitter. Criteria: Invitae Variant Classification Sherloc (09022015). Collection method: clinical testing. Allele origin: germline.
Comment: This sequence change replaces proline, which is neutral and non-polar, with leucine, which is neutral and non-polar, at codon 1423 of the ALK protein (p.Pro1423Leu). This variant is not present in population databases (gnomAD no frequency). This variant has not been reported in the literature in individuals affected with ALK-related conditions. ClinVar contains an entry for this variant (Variation ID: 2624787). An algorithm developed to predict the effect of missense changes on protein structure and function (PolyPhen-2) suggests that this variant is likely to be disruptive. In summary, the available evidence is currently insufficient to determine the role of this variant in disease. Therefore, it has been classified as a Variant of Uncertain Significance.

Ambry Genetics
Classification: Uncertain significance for Hereditary cancer-predisposing syndrome. Last evaluated: 2023-07-18. Review status: criteria provided, single submitter. Criteria: Ambry Variant Classification Scheme 2023. Collection method: clinical testing. Allele origin: germline.
Comment: The p.P1423L variant (also known as c.4268C>T), located in coding exon 29 of the ALK gene, results from a C to T substitution at nucleotide position 4268. The proline at codon 1423 is replaced by leucine, an amino acid with similar properties. This amino acid position is conserved. In addition, the in silico prediction for this alteration is inconclusive. Since supporting evidence is limited at this time, the clinical significance of this alteration remains unclear.

NM_004304.5(ALK):c.4268C>T (p.Pro1423Leu)

Gene: ALK (ALK receptor tyrosine kinase; minus strand). Cytogenetic location: 2p23.2.
Variant type: single nucleotide variant.
Coding change: c.4268C>T on transcript NM_004304.5 (MANE Select); coding-DNA position 4268, C replaced by T.
Protein change: p.Pro1423Leu; replaces proline 1423 with leucine.
Molecular consequence: missense variant.
Genome position (GRCh38, 1-based): chr2:29,193,819, G>A on the plus strand (C>T on the coding strand, the complement: ALK is on the minus strand). VCF-style: chr2-29193819-G-A. GRCh37 (hg19) VCF-style: chr2-29416685-G-A.
Other names: c.1064C>T, p.Pro355Leu (NM_001353765.2); short protein forms P355L, P1423L.
Identifiers: ClinVar variation 2624787 (VCV002624787.5), dbSNP rs2148138867, ClinGen allele CA346462923.